The following is an entry in ClinVar:

ClinVar aggregate classification (germline): Pathogenic (1 of 4 stars; one submission).

Conditions:
Alstrom syndrome (ALMS). Identifiers: Orphanet 64, MedGen C0268425, MONDO:0008763, OMIM 203800.

Submission:

Labcorp Genetics (formerly Invitae), Labcorp
Classification: Pathogenic for Alstrom syndrome. Last evaluated: 2022-05-04. Review status: criteria provided, single submitter. Criteria: Invitae Variant Classification Sherloc (09022015). Collection method: clinical testing. Allele origin: germline.
Comment: For these reasons, this variant has been classified as Pathogenic. This variant has not been reported in the literature in individuals affected with ALMS1-related conditions. This variant is a gross deletion of the genomic region encompassing exon(s) 5-7 of the ALMS1 gene. This deletion is out-of-frame, and is expected to create a premature termination codon and result in an absent or disrupted protein product. Loss-of-function variants in ALMS1 are known to be pathogenic (PMID: 17594715).

Literature cited by the submitters: PubMed 17594715.

NC_000002.11:g.(?_73651548)_(73659429_?)del

Gene: ALMS1 (ALMS1 centrosome and basal body associated protein; plus strand). Cytogenetic location: 2p13.1.
Variant type: Deletion.
Identifiers: ClinVar variation 2426072 (VCV002426072.4).